The following is an entry in ClinVar:

NM_138694.4(PKHD1):c.1205del (p.Phe402fs)

Gene: PKHD1 (PKHD1 ciliary IPT domain containing fibrocystin/polyductin; minus strand). Cytogenetic location: 6p12.2.
Variant type: Deletion.
Coding change: c.1205del on transcript NM_138694.4 (MANE Select); coding-DNA position 1205, one base deleted (T; older notation c.1205delT).
Protein change: p.Phe402fs; shifts the reading frame from phenylalanine 402.
Molecular consequence: frameshift variant.
Genome position (GRCh38, 1-based): chr6:52,059,956, A deleted on the plus strand (T on the coding strand, the reverse complement: PKHD1 is on the minus strand); the first of 3 consecutive A bases (chr6:52,059,956-52,059,958); deleting any one gives the same sequence. VCF-style (leftmost placement, unchanged base first): chr6-52059955-GA-G. GRCh37 (hg19) VCF-style: chr6-51924753-GA-G.
Other names: c.1205del, p.Phe402fs (NM_170724.3); short protein forms F402fs.
Identifiers: ClinVar variation 371319 (VCV000371319.6), dbSNP rs1057517178, ClinGen allele CA16041070.

ClinVar aggregate classification (germline): Pathogenic. Review status: criteria provided, single submitter (1 of 4 stars). 2 submissions from 2 submitters: Pathogenic (1). 1 of the submissions does not count toward it. Last evaluated 2023-02-23.

Conditions:
Polycystic kidney disease 4 (PKD4). Also called: POLYCYSTIC KIDNEY AND HEPATIC DISEASE 1; POLYCYSTIC KIDNEY DISEASE, INFANTILE, TYPE I; POLYCYSTIC KIDNEY DISEASE 4 WITH OR WITHOUT POLYCYSTIC LIVER DISEASE; PKD3; Autosomal Recessive Polycystic Kidney Disease – PKHD1. Identifiers: MedGen C4540575, MONDO:0033004, OMIM 263200.
Autosomal recessive polycystic kidney disease (ARPKD). Also called: AR polycystic kidney disease. Identifiers: Orphanet 731, Orphanet 8378, MedGen C0085548, MeSH D017044, MONDO:0009889.

Submissions (2):

Labcorp Genetics (formerly Invitae), Labcorp
Classification: Pathogenic for Autosomal recessive polycystic kidney disease. Last evaluated: 2023-02-23. Review status: criteria provided, single submitter. Criteria: Invitae Variant Classification Sherloc (09022015). Collection method: clinical testing. Allele origin: germline.
Comment: This variant is not present in population databases (gnomAD no frequency). This sequence change creates a premature translational stop signal (p.Phe402Serfs*11) in the PKHD1 gene. It is expected to result in an absent or disrupted protein product. Loss-of-function variants in PKHD1 are known to be pathogenic (PMID: 19940839). This variant has not been reported in the literature in individuals affected with PKHD1-related conditions. ClinVar contains an entry for this variant (Variation ID: 371319). For these reasons, this variant has been classified as Pathogenic.

Counsyl
Classification: Likely pathogenic for Polycystic kidney disease 4. Last evaluated: 2016-08-31. Review status: no assertion criteria provided. Collection method: clinical testing. Allele origin: unknown. Not counted in ClinVar's aggregate classification.

Literature cited by the submitters: PubMed 19940839 (cited by Labcorp Genetics (formerly Invitae), Labcorp).